The following is an entry in ClinVar:

ClinVar aggregate classification (germline): Likely pathogenic (1 of 4 stars; one submission).

Submission:

Baylor Genetics
Classification: Likely pathogenic. Last evaluated: 2018-11-01. Review status: criteria provided, single submitter. Criteria: ACMG CNV Guidelines, 2011. Collection method: clinical testing. Allele origin: germline. Affected: yes. Observed: 1 variant allele.
Comment: This 2q21.1 deletion includes ARHGEF4 and GPR148, and deletions involving this region have been previously reported in patients with neurological disorders [PMID:22543972,24591035]

GRCh37/hg19 2q21.1(chr2:131486951-131933628)

Genes: AMER3 (APC membrane recruitment protein 3; plus strand), ARHGEF4 (Rho guanine nucleotide exchange factor 4; plus strand), FAM168B (family with sequence similarity 168 member B; minus strand), GPR148 (G protein-coupled receptor 148; plus strand), PLEKHB2 (pleckstrin homology domain containing B2; plus strand). Cytogenetic location: 2q21.1.
Variant type: copy number loss.
Identifiers: ClinVar variation 625692 (VCV000625692.1).